The following is an entry in ClinVar:

ClinVar aggregate classification (germline): Likely benign. Review status: criteria provided, single submitter (1 of 4 stars). 2 submissions from 2 submitters: Likely benign (1). 1 of the submissions does not count toward it. Last evaluated 2024-08-06.

Conditions:
DNAH17-related disorder. Also called: DNAH17-related condition.

Allele frequency attached by ClinVar (database versions not stated): ExAC 0.00132; gnomAD 0.00348; 1000 Genomes Project 0.00359; 1000 Genomes Project 30x 0.00375; TOPMed 0.00412; ESP Exome Variant Server 0.00500.
gnomAD v4.1: 1,092 of 1,610,962 alleles (0.068%); highest among the groups gnomAD compares: African/African-American, 1.2%; 5 homozygotes.

Submissions (2):

Blueprint Genetics
Classification: Likely benign. Last evaluated: 2024-08-06. Review status: criteria provided, single submitter. Criteria: ACMG Guidelines, 2015. Collection method: clinical testing. Allele origin: germline.

PreventionGenetics, part of Exact Sciences
Classification: Benign for DNAH17-related condition. Last evaluated: 2019-05-02. Review status: no assertion criteria provided. Collection method: clinical testing. Allele origin: germline. Not counted in ClinVar's aggregate classification.
Comment: This variant is classified as benign based on ACMG/AMP sequence variant interpretation guidelines (Richards et al. 2015 PMID: 25741868, with internal and published modifications).

NM_173628.4(DNAH17):c.12720C>T (p.Ile4240=)

Gene: DNAH17 (dynein axonemal heavy chain 17; minus strand). Cytogenetic location: 17q25.3.
Variant type: single nucleotide variant.
Coding change: c.12720C>T on transcript NM_173628.4 (MANE Select); coding-DNA position 12720, C replaced by T.
Protein change: p.Ile4240=; no amino-acid change (isoleucine 4240 retained).
Molecular consequence: synonymous variant.
Genome position (GRCh38, 1-based): chr17:78,426,977, G>A on the plus strand (C>T on the coding strand, the complement: DNAH17 is on the minus strand). VCF-style: chr17-78426977-G-A. GRCh37 (hg19) VCF-style: chr17-76423058-G-A.
Identifiers: ClinVar variation 3052805 (VCV003052805.3), dbSNP rs35782078, ClinGen allele CA8799913.
Genomic context (GRCh38, chr17:78,426,977, plus strand): 5'-CATGTTTACCTTCAGCCCCAGGTTCAGCTCCTTGAGCGAACGGCGCATTTCGTTGGTCAG[G>A]ATGTTCATTCTTTCACATTCTTGAAAGGCGACTACCACGTAGGGGGTCTTTTCCGCTGCC-3'
Protein context (NP_775899.3, residues 4230-4250): VAFQECERMN[Ile4240=]LTNEMRRSLK